The following is an entry in ClinVar:

ClinVar aggregate classification (germline): Likely benign. Review status: criteria provided, multiple submitters, no conflicts (2 of 4 stars). 3 submissions from 3 submitters: Likely benign (2). 1 of the submissions does not count toward it. Last evaluated 2025-10-15.

Conditions:
Inborn genetic diseases. Identifiers: MedGen C0950123, MeSH D030342.
ANKRD26-related disorder. Also called: ANKRD26-related condition.

Allele frequency attached by ClinVar (database versions not stated): TOPMed 0.00003; ExAC 0.00003; ESP Exome Variant Server 0.00009; gnomAD 0.00004.
gnomAD v4.1: 71 of 1,580,798 alleles (0.0045%); highest among the groups gnomAD compares: Non-Finnish European, 0.006%; no homozygotes.

Submissions (3):

Labcorp Genetics (formerly Invitae), Labcorp
Classification: Likely benign. Last evaluated: 2025-10-15. Review status: criteria provided, single submitter. Criteria: Invitae Variant Classification Sherloc (09022015). Collection method: clinical testing. Allele origin: germline.

Ambry Genetics
Classification: Likely benign for Inborn genetic diseases. Last evaluated: 2024-11-21. Review status: criteria provided, single submitter. Criteria: Ambry Variant Classification Scheme 2023. Collection method: clinical testing. Allele origin: germline.

PreventionGenetics, part of Exact Sciences
Classification: Likely benign for ANKRD26-related condition. Last evaluated: 2020-10-06. Review status: no assertion criteria provided. Collection method: clinical testing. Allele origin: germline. Not counted in ClinVar's aggregate classification.
Comment: This variant is classified as likely benign based on ACMG/AMP sequence variant interpretation guidelines (Richards et al. 2015 PMID: 25741868, with internal and published modifications).

NM_014915.3(ANKRD26):c.4128A>G (p.Glu1376=)

Gene: ANKRD26 (ankyrin repeat domain 26; minus strand). Cytogenetic location: 10p12.1.
Variant type: single nucleotide variant.
Coding change: c.4128A>G on transcript NM_014915.3 (MANE Select); coding-DNA position 4128, A replaced by G.
Protein change: p.Glu1376=; no amino-acid change (glutamic acid 1376 retained).
Molecular consequence: synonymous variant.
Genome position (GRCh38, 1-based): chr10:27,022,645, T>C on the plus strand (A>G on the coding strand, the complement: ANKRD26 is on the minus strand). VCF-style: chr10-27022645-T-C. GRCh37 (hg19) VCF-style: chr10-27311574-T-C.
Other names: c.4125A>G, p.Glu1375= (NM_001256053.2).
Identifiers: ClinVar variation 2883638 (VCV002883638.6), dbSNP rs373973624, ClinGen allele CA5447843.